The following is an entry in ClinVar:

ClinVar aggregate classification (germline): Uncertain significance. Review status: criteria provided, multiple submitters, no conflicts (2 of 4 stars). 3 submissions from 3 submitters: Uncertain significance (3). Last evaluated 2026-01-18.

Conditions:
Plasminogen deficiency, type I. Also called: Hypoplasminogenemia; Type 1 plasminogen deficiency. Identifiers: Orphanet 722, MedGen C1968804, MONDO:0009009, OMIM 217090.
Angioedema, hereditary, 4. Identifiers: MedGen C5543503, MONDO:0025712, OMIM 619360.
Inborn genetic diseases. Identifiers: MedGen C0950123, MeSH D030342.

Allele frequency attached by ClinVar (database versions not stated): gnomAD 0.00015 and 0.00016; TOPMed 0.00015; ExAC 0.00004; gnomAD exomes 0.00007 and 0.00011.
gnomAD v4.1: 65 of 1,612,308 alleles (0.004%); highest among the groups gnomAD compares: Admixed American, 0.1%; 1 homozygote.

Submissions (3):

Labcorp Genetics (formerly Invitae), Labcorp
Classification: Uncertain significance. Last evaluated: 2026-01-18. Review status: criteria provided, single submitter. Criteria: Invitae Variant Classification Sherloc (09022015). Collection method: clinical testing. Allele origin: germline.
Comment: This sequence change replaces glycine, which is neutral and non-polar, with alanine, which is neutral and non-polar, at codon 106 of the PLG protein (p.Gly106Ala). This variant is present in population databases (rs778599053, gnomAD 0.08%). This variant has not been reported in the literature in individuals affected with PLG-related conditions. ClinVar contains an entry for this variant (Variation ID: 1346118). An algorithm developed to predict the effect of missense changes on protein structure and function (PolyPhen-2) suggests that this variant is likely to be tolerated. In summary, the available evidence is currently insufficient to determine the role of this variant in disease. Therefore, it has been classified as a Variant of Uncertain Significance.

Fulgent Genetics
Classification: Uncertain significance for Plasminogen deficiency, type I; Angioedema, hereditary, 4. Last evaluated: 2024-06-06. Review status: criteria provided, single submitter. Criteria: ACMG Guidelines, 2015. Collection method: clinical testing. Allele origin: germline.

Ambry Genetics
Classification: Uncertain significance for Inborn genetic diseases. Last evaluated: 2022-08-16. Review status: criteria provided, single submitter. Criteria: Ambry Variant Classification Scheme 2023. Collection method: clinical testing. Allele origin: germline.

NM_000301.5(PLG):c.317G>C (p.Gly106Ala)

Gene: PLG (plasminogen; plus strand). Cytogenetic location: 6q26.
Variant type: single nucleotide variant.
Coding change: c.317G>C on transcript NM_000301.5 (MANE Select); coding-DNA position 317, G replaced by C.
Protein change: p.Gly106Ala; replaces glycine 106 with alanine.
Molecular consequence: missense variant.
Genome position (GRCh38, 1-based): chr6:160,711,101, G>C. VCF-style: chr6-160711101-G-C. GRCh37 (hg19) VCF-style: chr6-161132133-G-C.
Other names: c.317G>C, p.Gly106Ala (NM_001168338.1); c.317G>C (NM_000301.3); short protein forms G106A.
Identifiers: ClinVar variation 1346118 (VCV001346118.11), dbSNP rs778599053, ClinGen allele CA4087399.